The following is an entry in ClinVar:

ClinVar aggregate classification (germline): Uncertain significance. Review status: criteria provided, multiple submitters, no conflicts (2 of 4 stars). 2 submissions from 2 submitters: Uncertain significance (2). Last evaluated 2025-01-15.

Conditions:
Ehlers-Danlos syndrome, type 4 (EDSVASC). Also called: Ehlers-Danlos syndrome vascular type; Ehlers Danlos syndrome, ecchymotic type; Ehlers Danlos syndrome, arterial type; Ehlers Danlos syndrome, Sack-Barabas type; Ehlers-Danlos Syndrome Type IV. Identifiers: Orphanet 286, MedGen C0268338, MONDO:0017314, OMIM 130050.

gnomAD v4.1: 1 of 1,612,968 alleles (0.000062%); highest among the groups gnomAD compares: Non-Finnish European, 0.000085%; no homozygotes.

Submissions (2):

Department of Human Genetics, Hannover Medical School
Classification: Uncertain significance for Ehlers-Danlos syndrome, type 4. Last evaluated: 2025-01-15. Review status: criteria provided, single submitter. Criteria: ACMG Guidelines, 2015. Collection method: clinical testing. Allele origin: germline. Affected: yes.
Comment: ACMG: PM2_Supporting, PP2

Labcorp Genetics (formerly Invitae), Labcorp
Classification: Uncertain significance for Ehlers-Danlos syndrome, type 4. Last evaluated: 2024-08-06. Review status: criteria provided, single submitter. Criteria: Invitae Variant Classification Sherloc (09022015). Collection method: clinical testing. Allele origin: germline.
Comment: This sequence change replaces valine, which is neutral and non-polar, with isoleucine, which is neutral and non-polar, at codon 160 of the COL3A1 protein (p.Val160Ile). This variant is not present in population databases (gnomAD no frequency). This variant has not been reported in the literature in individuals affected with COL3A1-related conditions. Advanced modeling of protein sequence and biophysical properties (such as structural, functional, and spatial information, amino acid conservation, physicochemical variation, residue mobility, and thermodynamic stability) performed at Invitae indicates that this missense variant is not expected to disrupt COL3A1 protein function with a negative predictive value of 95%. In summary, the available evidence is currently insufficient to determine the role of this variant in disease. Therefore, it has been classified as a Variant of Uncertain Significance.

NM_000090.4(COL3A1):c.478G>A (p.Val160Ile)

Gene: COL3A1 (collagen type III alpha 1 chain; plus strand). Cytogenetic location: 2q32.2.
Variant type: single nucleotide variant.
Coding change: c.478G>A on transcript NM_000090.4 (MANE Select); coding-DNA position 478, G replaced by A.
Protein change: p.Val160Ile; replaces valine 160 with isoleucine.
Molecular consequence: missense variant.
Genome position (GRCh38, 1-based): chr2:188,987,089, G>A. VCF-style: chr2-188987089-G-A. GRCh37 (hg19) VCF-style: chr2-189851815-G-A.
Other names: short protein forms V160I.
Identifiers: ClinVar variation 3572852 (VCV003572852.3).
Genomic context (GRCh38, chr2:188,987,089, plus strand): 5'-TGATCATATCTATTTGTCTCCTTGCCACAGAACTATTCTCCCCAGTATGATTCATATGAT[G>A]TCAAGTCTGGAGTAGCAGTAGGAGGACTCGCAGGCTATCCTGGACCAGCTGTACGTACAA-3'
Protein context (NP_000081.2, residues 150-170): NYSPQYDSYD[Val160Ile]KSGVAVGGLA